The following is an entry in ClinVar:

ClinVar aggregate classification (germline): Uncertain significance. Review status: criteria provided, multiple submitters, no conflicts (2 of 4 stars). 4 submissions from 4 submitters: Uncertain significance (4). Last evaluated 2024-05-08.

Conditions:
Combined immunodeficiency due to LRBA deficiency. Also called: Common variable immunodeficiency 8, with autoimmunity. Identifiers: Orphanet 445018, MedGen C3553512, MONDO:0013863, OMIM 614700.
Inborn genetic diseases. Identifiers: MedGen C0950123, MeSH D030342.

Allele frequency attached by ClinVar (database versions not stated): gnomAD exomes 0.00002 and 0.00010; ExAC 0.00008; ESP Exome Variant Server 0.00015; 1000 Genomes Project 30x 0.00016; 1000 Genomes Project 0.00020; gnomAD 0.00024 and 0.00026; TOPMed 0.00029.
gnomAD v4.1: 73 of 1,613,580 alleles (0.0045%); highest among the groups gnomAD compares: Middle Eastern, 0.066%; 1 homozygote.

Submissions (4):

Ambry Genetics
Classification: Uncertain significance for Inborn genetic diseases. Last evaluated: 2024-05-08. Review status: criteria provided, single submitter. Criteria: Ambry Variant Classification Scheme 2023. Collection method: clinical testing. Allele origin: germline.

Labcorp Genetics (formerly Invitae), Labcorp
Classification: Uncertain significance for Combined immunodeficiency due to LRBA deficiency. Last evaluated: 2022-10-17. Review status: criteria provided, single submitter. Criteria: Invitae Variant Classification Sherloc (09022015). Collection method: clinical testing. Allele origin: germline.
Comment: This sequence change replaces alanine, which is neutral and non-polar, with valine, which is neutral and non-polar, at codon 2784 of the LRBA protein (p.Ala2784Val). This variant is present in population databases (rs140288109, gnomAD 0.08%). This variant has not been reported in the literature in individuals affected with LRBA-related conditions. ClinVar contains an entry for this variant (Variation ID: 1035642). Algorithms developed to predict the effect of missense changes on protein structure and function are either unavailable or do not agree on the potential impact of this missense change (SIFT: "Tolerated"; PolyPhen-2: "Probably Damaging"; Align-GVGD: "Class C0"). In summary, the available evidence is currently insufficient to determine the role of this variant in disease. Therefore, it has been classified as a Variant of Uncertain Significance.

Center for Genomics, Ann and Robert H. Lurie Children's Hospital of Chicago
Classification: Uncertain significance for Combined immunodeficiency due to LRBA deficiency. Last evaluated: 2022-10-05. Review status: criteria provided, single submitter. Criteria: ACMG Guidelines, 2015. Collection method: clinical testing. Allele origin: germline.
Comment: This variant has not been reported in the literature but is present in the Genome Aggregation Database (Highest reported MAF 0.1% (17/15276). This variant is present in ClinVar (Variation ID:1035642). Evolutionary conservation and computational predictive tools suggest that this variant may impact the protein. In summary, data on this variant is insufficient for disease classification. Therefore, the clinical significance of this variant is uncertain.

Breakthrough Genomics
Classification: Uncertain significance. Review status: criteria provided, single submitter. Criteria: ACMG Guidelines, 2015. Collection method: not provided. Allele origin: germline. Inheritance: Autosomal recessive inheritance. Affected: yes.

NM_001364905.1(LRBA):c.8318C>T (p.Ala2773Val)

Gene: LRBA (LPS responsive beige-like anchor protein; minus strand). Cytogenetic location: 4q31.3.
Variant type: single nucleotide variant.
Coding change: c.8318C>T on transcript NM_001364905.1 (MANE Select); coding-DNA position 8318, C replaced by T.
Protein change: p.Ala2773Val; replaces alanine 2773 with valine.
Molecular consequence: missense variant.
Genome position (GRCh38, 1-based): chr4:150,278,003, G>A on the plus strand (C>T on the coding strand, the complement: LRBA is on the minus strand). VCF-style: chr4-150278003-G-A. GRCh37 (hg19) VCF-style: chr4-151199155-G-A.
Other names: c.8315C>T, p.Ala2772Val (NM_001199282.3); c.8333C>T, p.Ala2778Val (NM_001367550.1); c.8351C>T, p.Ala2784Val (NM_006726.5); short protein forms A2772V, A2778V, A2784V, A2773V.
Identifiers: ClinVar variation 1035642 (VCV001035642.8), dbSNP rs140288109, ClinGen allele CA3101369.